The following is an entry in ClinVar:

ClinVar aggregate classification (germline): Likely pathogenic. Review status: criteria provided, multiple submitters, no conflicts (2 of 4 stars). 2 submissions from 2 submitters: Likely pathogenic (2). Last evaluated 2023-02-04.

Conditions:
BAP1-related tumor predisposition syndrome (TPDS1). Also called: BAP1 tumor predisposition syndrome; Tumor susceptibility linked to germline BAP1 mutations; COMMON Syndrome; TUMOR PREDISPOSITION SYNDROME 1. Identifiers: Orphanet 289539, MedGen C3280492, MONDO:0013692, OMIM 614327.

Submissions (2):

Labcorp Genetics (formerly Invitae), Labcorp
Classification: Likely pathogenic for BAP1-related tumor predisposition syndrome. Last evaluated: 2023-02-04. Review status: criteria provided, single submitter. Criteria: Invitae Variant Classification Sherloc (09022015). Collection method: clinical testing. Allele origin: germline.
Comment: This sequence change affects an acceptor splice site in intron 4 of the BAP1 gene. It is expected to disrupt RNA splicing. Variants that disrupt the donor or acceptor splice site typically lead to a loss of protein function (PMID: 16199547), and loss-of-function variants in BAP1 are known to be pathogenic (PMID: 21874000, 23684012). This variant is not present in population databases (gnomAD no frequency). This variant has not been reported in the literature in individuals affected with BAP1-related conditions. ClinVar contains an entry for this variant (Variation ID: 1496063). Algorithms developed to predict the effect of sequence changes on RNA splicing suggest that this variant may disrupt the consensus splice site. In summary, the currently available evidence indicates that the variant is pathogenic, but additional data are needed to prove that conclusively. Therefore, this variant has been classified as Likely Pathogenic.

Baylor Genetics
Classification: Likely pathogenic for BAP1-related tumor predisposition syndrome. Last evaluated: 2022-08-27. Review status: criteria provided, single submitter. Criteria: ACMG Guidelines, 2015. Collection method: clinical testing. Allele origin: unknown.

Literature cited by the submitters: PubMed 16199547 (cited by Labcorp Genetics (formerly Invitae), Labcorp); PubMed 21874000 (cited by Labcorp Genetics (formerly Invitae), Labcorp); PubMed 23684012 (cited by Labcorp Genetics (formerly Invitae), Labcorp).

NM_004656.4(BAP1):c.256-2A>G

Gene: BAP1 (BRCA1 associated deubiquitinase 1; minus strand). Cytogenetic location: 3p21.1.
Variant type: single nucleotide variant.
Coding change: c.256-2A>G on transcript NM_004656.4 (MANE Select); the canonical splice acceptor site of the intron before coding-DNA position 256, A replaced by G.
Molecular consequence: splice acceptor variant.
Genome position (GRCh38, 1-based): chr3:52,408,079, T>C on the plus strand (A>G on the coding strand, the complement: BAP1 is on the minus strand). VCF-style: chr3-52408079-T-C. GRCh37 (hg19) VCF-style: chr3-52442095-T-C.
Other names: c.256-2A>G (NM_001410772.1).
Identifiers: ClinVar variation 1496063 (VCV001496063.9), dbSNP rs2153228161, ClinGen allele CA353112774.